The following is an entry in ClinVar:

NM_006995.5(BTN2A2):c.980-88G>C

Gene: BTN2A2 (butyrophilin subfamily 2 member A2; plus strand). Cytogenetic location: 6p22.2.
Variant type: single nucleotide variant.
Coding change: c.980-88G>C on transcript NM_006995.5 (MANE Select); 88 bases into the intron before coding-DNA position 980, G replaced by C.
Molecular consequence: intron variant. On other transcripts: missense variant (1).
Genome position (GRCh38, 1-based): chr6:26,392,287, G>C. VCF-style: chr6-26392287-G-C. GRCh37 (hg19) VCF-style: chr6-26392515-G-C.
Other names: c.763G>C, p.Ala255Pro (NM_001197240.2); c.980-88G>C (NM_001197237.2); c.979+1458G>C (NM_001197238.2); c.632-88G>C (NM_181531.3); c.350-88G>C (NM_001197239.2); short protein forms A255P.
Identifiers: ClinVar variation 3059309 (VCV003059309.2), dbSNP rs2072803, ClinGen allele CA3672576.

ClinVar aggregate classification (germline): Benign (0 of 4 stars; one submission).

Conditions:
BTN2A2-related disorder. Also called: BTN2A2-related condition.

Allele frequency attached by ClinVar (database versions not stated): TOPMed 0.07313; gnomAD 0.07786; 1000 Genomes Project 30x 0.08182; 1000 Genomes Project 0.08646; ExAC 0.16860.

Submission:

PreventionGenetics, part of Exact Sciences
Classification: Benign for BTN2A2-related condition. Last evaluated: 2019-11-04. Review status: no assertion criteria provided. Collection method: clinical testing. Allele origin: germline.
Comment: This variant is classified as benign based on ACMG/AMP sequence variant interpretation guidelines (Richards et al. 2015 PMID: 25741868, with internal and published modifications).